The following is an entry in ClinVar:

ClinVar aggregate classification (germline): Uncertain significance (1 of 4 stars; one submission).

gnomAD v4.1: 1 of 1,581,492 alleles (0.000063%); highest among the groups gnomAD compares: Non-Finnish European, 0.000086%; no homozygotes.

Submission:

Labcorp Genetics (formerly Invitae), Labcorp
Classification: Uncertain significance. Last evaluated: 2024-08-14. Review status: criteria provided, single submitter. Criteria: Invitae Variant Classification Sherloc (09022015). Collection method: clinical testing. Allele origin: germline.
Comment: This sequence change replaces histidine, which is basic and polar, with arginine, which is basic and polar, at codon 743 of the C3 protein (p.His743Arg). This variant is not present in population databases (gnomAD no frequency). This variant has not been reported in the literature in individuals affected with C3-related conditions. ClinVar contains an entry for this variant (Variation ID: 1954892). Invitae Evidence Modeling of protein sequence and biophysical properties (such as structural, functional, and spatial information, amino acid conservation, physicochemical variation, residue mobility, and thermodynamic stability) indicates that this missense variant is not expected to disrupt C3 protein function with a negative predictive value of 80%. In summary, the available evidence is currently insufficient to determine the role of this variant in disease. Therefore, it has been classified as a Variant of Uncertain Significance.

NM_000064.4(C3):c.2228A>G (p.His743Arg)

Gene: C3 (complement C3; minus strand). Cytogenetic location: 19p13.3.
Variant type: single nucleotide variant.
Coding change: c.2228A>G on transcript NM_000064.4 (MANE Select); coding-DNA position 2228, A replaced by G.
Protein change: p.His743Arg; replaces histidine 743 with arginine.
Molecular consequence: missense variant.
Genome position (GRCh38, 1-based): chr19:6,707,093, T>C on the plus strand (A>G on the coding strand, the complement: C3 is on the minus strand). VCF-style: chr19-6707093-T-C. GRCh37 (hg19) VCF-style: chr19-6707104-T-C.
Other names: short protein forms H743R.
Identifiers: ClinVar variation 1954892 (VCV001954892.5), dbSNP rs2512257887, ClinGen allele CA403636752.